The following is an entry in ClinVar:

ClinVar aggregate classification (germline): Pathogenic (1 of 4 stars; one submission).

Submission:

GeneDx
Classification: Pathogenic. Last evaluated: 2018-08-10. Review status: criteria provided, single submitter. Criteria: GeneDx Variant Classification (06012015). Collection method: clinical testing. Allele origin: germline. Affected: yes.
Comment: The c.3424delC pathogenic variant in the TSC2 gene causes a frameshift starting with codon Leucine 1142, changes this amino acid to a Tryptophan residue and creates a premature Stop codon at position 49 of the new reading frame, denoted p.Leu1142TrpfsX49. This pathogenic variant is predicted to cause loss of normal protein function either through protein truncation or nonsense-mediated mRNA decay. The c.3424delC variant is not observed in large population cohorts (Lek et al., 2016).

NM_000548.5(TSC2):c.3424del (p.Leu1142fs)

Gene: TSC2 (TSC complex subunit 2; plus strand). Cytogenetic location: 16p13.3.
Variant type: Deletion.
Coding change: c.3424del on transcript NM_000548.5 (MANE Select); coding-DNA position 3424, one base deleted (C; older notation c.3424delC).
Protein change: p.Leu1142fs; shifts the reading frame from leucine 1142.
Molecular consequence: frameshift variant.
Genome position (GRCh38, 1-based): chr16:2,080,191, C deleted; the last of 3 consecutive C bases (chr16:2,080,189-2,080,191); deleting any one gives the same sequence. VCF-style (leftmost placement, unchanged base first): chr16-2080188-GC-G. GRCh37 (hg19) VCF-style: chr16-2130189-GC-G.
Other names: c.3292del, p.Leu1098fs (NM_001077183.3, NM_001370404.1); c.3424del, p.Leu1142fs (NM_001114382.3); c.3184del, p.Leu1062fs (NM_001318827.2); c.3148del, p.Leu1050fs (NM_001318829.2); c.2692del, p.Leu898fs (NM_001318831.2); c.3325del, p.Leu1109fs (NM_001318832.2); c.3295del, p.Leu1099fs (NM_001363528.2, NM_001370405.1, NM_021055.3); short protein forms L1142fs, L1109fs, L898fs, L1050fs, L1062fs, L1098fs, L1099fs.
Identifiers: ClinVar variation 817761 (VCV000817761.1), dbSNP rs1596389562, ClinGen allele CA915946296.